The following is an entry in ClinVar:

ClinVar aggregate classification (germline): Likely benign. Review status: criteria provided, multiple submitters, no conflicts (2 of 4 stars). 2 submissions from 2 submitters: Likely benign (2). Last evaluated 2019-07-11.

Conditions:
Inborn genetic diseases. Identifiers: MedGen C0950123, MeSH D030342.

Submissions (2):

Ambry Genetics
Classification: Likely benign for Inborn genetic diseases. Last evaluated: 2019-07-11. Review status: criteria provided, single submitter. Criteria: Ambry Variant Classification Scheme 2023. Collection method: clinical testing. Allele origin: germline.

GeneDx
Classification: Likely benign. Last evaluated: 2016-03-01. Review status: criteria provided, single submitter. Criteria: GeneDx Variant Classification (06012015). Collection method: clinical testing. Allele origin: germline. Affected: yes.
Comment: This variant is considered likely benign or benign based on one or more of the following criteria: it is a conservative change, it occurs at a poorly conserved position in the protein, it is predicted to be benign by multiple in silico algorithms, and/or has population frequency not consistent with disease.

NM_022489.4(INF2):c.973C>T (p.Leu325=)

Gene: INF2 (inverted formin 2; plus strand). Cytogenetic location: 14q32.33.
Variant type: single nucleotide variant.
Coding change: c.973C>T on transcript NM_022489.4 (MANE Select); coding-DNA position 973, C replaced by T.
Protein change: p.Leu325=; no amino-acid change (leucine 325 retained).
Molecular consequence: synonymous variant.
Genome position (GRCh38, 1-based): chr14:104,707,039, C>T. VCF-style: chr14-104707039-C-T. GRCh37 (hg19) VCF-style: chr14-105173376-C-T.
Other names: c.973C>T, p.Leu325= (NM_001031714.4).
Identifiers: ClinVar variation 384034 (VCV000384034.3), dbSNP rs1057521829, ClinGen allele CA16607574.
Genomic context (GRCh38, chr14:104,707,039, plus strand): 5'-CTCCGCTCCAGCCAGCTGCTCTGGGAGGCCCTGGAGAGCCTCGTGAACCGGGCCGTGCTC[C>T]TGGCCAGCGATGGTGAGGGGGCGGGGCAGGGGCGTAGGCACAGCCTGGTGGGCAGACACT-3'
Protein context (NP_071934.3, residues 315-335): LESLVNRAVL[Leu325=]ASDAQECTLE